The following is an entry in ClinVar:

NM_000393.5(COL5A2):c.4468G>A (p.Gly1490Ser)

Gene: COL5A2 (collagen type V alpha 2 chain; minus strand). Cytogenetic location: 2q32.2.
Variant type: single nucleotide variant.
Coding change: c.4468G>A on transcript NM_000393.5 (MANE Select); coding-DNA position 4468, G replaced by A.
Protein change: p.Gly1490Ser; replaces glycine 1490 with serine.
Molecular consequence: missense variant.
Genome position (GRCh38, 1-based): chr2:189,034,102, C>T on the plus strand (G>A on the coding strand, the complement: COL5A2 is on the minus strand). VCF-style: chr2-189034102-C-T. GRCh37 (hg19) VCF-style: chr2-189898828-C-T.
Other names: short protein forms G1490S.
Identifiers: ClinVar variation 1212833 (VCV001212833.8), dbSNP rs775322653, ClinGen allele CA2021779.

ClinVar aggregate classification (germline): Uncertain significance. Review status: criteria provided, multiple submitters, no conflicts (2 of 4 stars). 2 submissions from 2 submitters: Uncertain significance (2). Last evaluated 2025-12-21.

Conditions:
Ehlers-Danlos syndrome, classic type, 1 (EDSCL1). Also called: EHLERS-DANLOS SYNDROME, GRAVIS TYPE; EHLERS-DANLOS SYNDROME, SEVERE CLASSIC TYPE; Ehlers-Danlos syndrome, type 1; Ehlers-Danlos Syndrome, Classic Type, COL5A1-Related; EDS I. Identifiers: MedGen C0268335, MONDO:0019567, OMIM 130000.

Allele frequency attached by ClinVar (database versions not stated): gnomAD exomes below 0.00001 and 0.00001; TOPMed below 0.00001; ExAC 0.00001.
gnomAD v4.1: 10 of 1,613,984 alleles (0.00062%); highest among the groups gnomAD compares: African/African-American, 0.0027%; no homozygotes.

Submissions (2):

Labcorp Genetics (formerly Invitae), Labcorp
Classification: Uncertain significance for Ehlers-Danlos syndrome, classic type, 1. Last evaluated: 2025-12-21. Review status: criteria provided, single submitter. Criteria: Invitae Variant Classification Sherloc (09022015). Collection method: clinical testing. Allele origin: germline.
Comment: This sequence change replaces glycine, which is neutral and non-polar, with serine, which is neutral and polar, at codon 1490 of the COL5A2 protein (p.Gly1490Ser). This variant is present in population databases (rs775322653, gnomAD 0.003%). This missense change has been observed in individual(s) with clinical features of COL5A2-related conditions (PMID: 26188975). ClinVar contains an entry for this variant (Variation ID: 1212833). Invitae Evidence Modeling of protein sequence and biophysical properties (such as structural, functional, and spatial information, amino acid conservation, physicochemical variation, residue mobility, and thermodynamic stability) indicates that this missense variant is not expected to disrupt COL5A2 protein function with a negative predictive value of 80%. In summary, the available evidence is currently insufficient to determine the role of this variant in disease. Therefore, it has been classified as a Variant of Uncertain Significance.

GeneDx
Classification: Uncertain significance. Last evaluated: 2019-12-26. Review status: criteria provided, single submitter. Criteria: GeneDx Variant Classification Process June 2021. Collection method: clinical testing. Allele origin: germline. Affected: yes.
Comment: Reported in an individual with an ascending aortic aneurysm in published literature (Ziganshin et al., 2015); although additional clinical details and segregation studies were not described; Not observed at a significant frequency in large population cohorts (Lek et al., 2016); In silico analysis, which includes protein predictors and evolutionary conservation, supports a deleterious effect; Not located in the triple helical region, where the majority of pathogenic missense variants occur (Symoens et al., 2012; Stenson et al., 2014); This variant is associated with the following publications: (PMID: 26188975)

Literature cited by the submitters: PubMed 26188975 (cited by Labcorp Genetics (formerly Invitae), Labcorp).